The following is an entry in ClinVar:

NM_005430.4(WNT1):c.589C>T (p.Leu197Phe)

Gene: WNT1 (Wnt family member 1; plus strand). Cytogenetic location: 12q13.12.
Variant type: single nucleotide variant.
Coding change: c.589C>T on transcript NM_005430.4 (MANE Select); coding-DNA position 589, C replaced by T.
Protein change: p.Leu197Phe; replaces leucine 197 with phenylalanine.
Molecular consequence: missense variant.
Genome position (GRCh38, 1-based): chr12:48,980,654, C>T. VCF-style: chr12-48980654-C-T. GRCh37 (hg19) VCF-style: chr12-49374437-C-T.
Other names: short protein forms L197F.
Identifiers: ClinVar variation 1511387 (VCV001511387.8), dbSNP rs772335979, ClinGen allele CA6544424.

ClinVar aggregate classification (germline): Uncertain significance (1 of 4 stars; one submission).

Allele frequency attached by ClinVar (database versions not stated): ExAC 0.00001.
gnomAD v4.1: 5 of 1,576,120 alleles (0.00032%); highest among the groups gnomAD compares: Middle Eastern, 0.017%; no homozygotes.

Submission:

Labcorp Genetics (formerly Invitae), Labcorp
Classification: Uncertain significance. Last evaluated: 2024-03-18. Review status: criteria provided, single submitter. Criteria: Invitae Variant Classification Sherloc (09022015). Collection method: clinical testing. Allele origin: germline.
Comment: This sequence change replaces leucine, which is neutral and non-polar, with phenylalanine, which is neutral and non-polar, at codon 197 of the WNT1 protein (p.Leu197Phe). The frequency data for this variant in the population databases is considered unreliable, as metrics indicate poor data quality at this position in the gnomAD database. This variant has not been reported in the literature in individuals affected with WNT1-related conditions. ClinVar contains an entry for this variant (Variation ID: 1511387). Advanced modeling of protein sequence and biophysical properties (such as structural, functional, and spatial information, amino acid conservation, physicochemical variation, residue mobility, and thermodynamic stability) performed at Invitae indicates that this missense variant is not expected to disrupt WNT1 protein function with a negative predictive value of 80%. In summary, the available evidence is currently insufficient to determine the role of this variant in disease. Therefore, it has been classified as a Variant of Uncertain Significance.